The following is an entry in ClinVar:

NM_001352027.3(PHF21A):c.397A>G (p.Thr133Ala)

Gene: PHF21A (PHD finger protein 21A; minus strand). Cytogenetic location: 11p11.2.
Variant type: single nucleotide variant.
Coding change: c.397A>G on transcript NM_001352027.3 (MANE Select); coding-DNA position 397, A replaced by G.
Protein change: p.Thr133Ala; replaces threonine 133 with alanine.
Molecular consequence: missense variant. On other transcripts: non-coding transcript variant (2).
Genome position (GRCh38, 1-based): chr11:45,971,331, T>C on the plus strand (A>G on the coding strand, the complement: PHF21A is on the minus strand). VCF-style: chr11-45971331-T-C. GRCh37 (hg19) VCF-style: chr11-45992882-T-C.
Other names: c.397A>G, p.Thr133Ala (NM_001101802.3, NM_001352025.3, NM_001352026.3 and 5 more transcripts); c.394A>G, p.Thr132Ala (NM_001352030.3); short protein forms T132A, T133A.
Identifiers: ClinVar variation 4057058 (VCV004057058.1).

ClinVar aggregate classification (germline): Uncertain significance (1 of 4 stars; one submission).

gnomAD v4.1: 1 of 1,614,120 alleles (0.000062%); highest among the groups gnomAD compares: East Asian, 0.0022%; no homozygotes.

Submission:

GeneDx
Classification: Uncertain significance. Last evaluated: 2025-01-10. Review status: criteria provided, single submitter. Criteria: GeneDx Variant Classification Process June 2021. Collection method: clinical testing. Allele origin: germline. Affected: yes.
Comment: Not observed at significant frequency in large population cohorts (gnomAD); In silico analysis indicates that this missense variant does not alter protein structure/function; Has not been previously published as pathogenic or benign to our knowledge